The following is an entry in ClinVar:

NM_000090.4(COL3A1):c.3019G>A (p.Ala1007Thr)

Gene: COL3A1 (collagen type III alpha 1 chain; plus strand). Cytogenetic location: 2q32.2.
Variant type: single nucleotide variant.
Coding change: c.3019G>A on transcript NM_000090.4 (MANE Select); coding-DNA position 3019, G replaced by A.
Protein change: p.Ala1007Thr; replaces alanine 1007 with threonine.
Molecular consequence: missense variant.
Genome position (GRCh38, 1-based): chr2:189,005,437, G>A. VCF-style: chr2-189005437-G-A. GRCh37 (hg19) VCF-style: chr2-189870163-G-A.
Other names: p.A1007T:GCT>ACT; p.Ala1007Thr; short protein forms A1007T.
Identifiers: ClinVar variation 199736 (VCV000199736.45), dbSNP rs201220788, ClinGen allele CA005942.
Genomic context (GRCh38, chr2:189,005,437, plus strand): 5'-GGTCTCAGTGGAGAACGTGGTCCCCCTGGACCCCAGGGTCTTCCTGGTCTGGCTGGTACA[G>A]CTGGTGAACCTGGAAGAGATGTGAGTAGCAGTTTTTATTCAACCAGCCAGGTAGAATTTG-3'
Protein context (NP_000081.2, residues 997-1017): PQGLPGLAGT[Ala1007Thr]GEPGRDGNPG

ClinVar aggregate classification (germline): Conflicting classifications of pathogenicity. Review status: criteria provided, conflicting classifications (1 of 4 stars). 8 submissions from 8 submitters: Uncertain significance (1); Likely benign (7). Last evaluated 2025-09-23.

Conditions:
Ehlers-Danlos syndrome, type 4 (EDSVASC). Also called: Ehlers-Danlos syndrome vascular type; Ehlers Danlos syndrome, ecchymotic type; Ehlers Danlos syndrome, arterial type; Ehlers Danlos syndrome, Sack-Barabas type; Ehlers-Danlos Syndrome Type IV. Identifiers: Orphanet 286, MedGen C0268338, MONDO:0017314, OMIM 130050.
Familial thoracic aortic aneurysm and aortic dissection (TAAD). Also called: Thoracic aortic aneurysms and dissections. Identifiers: Orphanet 91387, MedGen C4707243, MONDO:0019625.

Allele frequency attached by ClinVar (database versions not stated): TOPMed 0.00004; gnomAD exomes 0.00008 and 0.00016; gnomAD 0.00013; ExAC 0.00019; 1000 Genomes Project 30x 0.00031; 1000 Genomes Project 0.00040.
gnomAD v4.1: 136 of 1,614,022 alleles (0.0084%); highest among the groups gnomAD compares: African/African-American, 0.004%; no homozygotes.

Submissions (8):

Labcorp Genetics (formerly Invitae), Labcorp
Classification: Likely benign for Ehlers-Danlos syndrome, type 4. Last evaluated: 2025-09-23. Review status: criteria provided, single submitter. Criteria: Invitae Variant Classification Sherloc (09022015). Collection method: clinical testing. Allele origin: germline.

Mayo Clinic Laboratories, Mayo Clinic
Classification: Likely benign. Last evaluated: 2025-02-11. Review status: criteria provided, single submitter. Criteria: ACMG Guidelines, 2015. Collection method: clinical testing. Allele origin: germline. Observed: 1 variant allele.
Comment: BS1, BP4

Blueprint Genetics
Classification: Likely benign. Last evaluated: 2024-10-09. Review status: criteria provided, single submitter. Criteria: ACMG Guidelines, 2015. Collection method: clinical testing. Allele origin: germline.

ARUP Laboratories, Molecular Genetics and Genomics, ARUP Laboratories
Classification: Likely benign. Last evaluated: 2024-03-11. Review status: criteria provided, single submitter. Criteria: ARUP Molecular Germline Variant Investigation Process 2024. Collection method: clinical testing. Allele origin: germline.

CeGaT Center for Human Genetics Tuebingen
Classification: Uncertain significance. Last evaluated: 2024-02-01. Review status: criteria provided, single submitter. Criteria: CeGaT Center For Human Genetics Tuebingen Variant Classification Criteria Version 2. Collection method: clinical testing. Allele origin: germline. Affected: yes. Observed: 1 variant allele.
Comment: COL3A1: PM2

GeneDx
Classification: Likely benign. Last evaluated: 2020-04-17. Review status: criteria provided, single submitter. Criteria: GeneDx Variant Classification Process June 2021. Collection method: clinical testing. Allele origin: germline. Affected: yes.
Comment: Has not been previously published as pathogenic or benign to our knowledge

Color Diagnostics, LLC DBA Color Health
Classification: Likely benign for Familial thoracic aortic aneurysm and aortic dissection. Last evaluated: 2019-05-15. Review status: criteria provided, single submitter. Criteria: ACMG Guidelines, 2015. Collection method: clinical testing. Allele origin: germline.

Ambry Genetics
Classification: Likely benign for Familial thoracic aortic aneurysm and aortic dissection. Last evaluated: 2018-03-12. Review status: criteria provided, single submitter. Criteria: Ambry Variant Classification Scheme 2023. Collection method: clinical testing. Allele origin: germline.